The following is an entry in ClinVar:

NM_181458.4(PAX3):c.*239C>A

Gene: PAX3 (paired box 3; minus strand). Cytogenetic location: 2q36.1.
Variant type: single nucleotide variant.
Coding change: c.*239C>A on transcript NM_181458.4 (MANE Select); 239 bases downstream of the stop codon, C replaced by A.
Molecular consequence: 3 prime UTR variant.
Genome position (GRCh38, 1-based): chr2:222,201,169, G>T on the plus strand (C>A on the coding strand, the complement: PAX3 is on the minus strand). VCF-style: chr2-222201169-G-T. GRCh37 (hg19) VCF-style: chr2-223065888-G-T.
Other names: c.*239C>A (NM_001127366.3); c.*5C>A (NM_181459.4); c.*52C>A (NM_181460.4); c.*235C>A (NM_181461.4).
Identifiers: ClinVar variation 3043517 (VCV003043517.2), dbSNP rs768339357, ClinGen allele CA2135363.

ClinVar aggregate classification (germline): Likely benign (0 of 4 stars; one submission).

Conditions:
PAX3-related disorder. Also called: PAX3-related condition.

Allele frequency attached by ClinVar (database versions not stated): TOPMed 0.00005; gnomAD 0.00007; ExAC 0.00008; gnomAD exomes 0.00020.
gnomAD v4.1: 301 of 1,613,858 alleles (0.019%); highest among the groups gnomAD compares: Non-Finnish European, 0.025%; no homozygotes.

Submission:

PreventionGenetics, part of Exact Sciences
Classification: Likely benign for PAX3-related condition. Last evaluated: 2019-07-01. Review status: no assertion criteria provided. Collection method: clinical testing. Allele origin: germline.
Comment: This variant is classified as likely benign based on ACMG/AMP sequence variant interpretation guidelines (Richards et al. 2015 PMID: 25741868, with internal and published modifications).